The following is an entry in ClinVar:

NM_153704.6(TMEM67):c.237A>C (p.Val79=)

Gene: TMEM67 (transmembrane protein 67; plus strand). Cytogenetic location: 8q22.1.
Variant type: single nucleotide variant.
Coding change: c.237A>C on transcript NM_153704.6 (MANE Select); coding-DNA position 237, A replaced by C.
Protein change: p.Val79=; no amino-acid change (valine 79 retained).
Molecular consequence: synonymous variant. On other transcripts: non-coding transcript variant (1), intron variant (1).
Genome position (GRCh38, 1-based): chr8:93,755,791, A>C. VCF-style: chr8-93755791-A-C. GRCh37 (hg19) VCF-style: chr8-94768019-A-C.
Other names: c.-62+654A>C (NM_001142301.1).
Identifiers: ClinVar variation 3349287 (VCV003349287.1).

ClinVar aggregate classification (germline): Likely benign (0 of 4 stars; one submission).

Conditions:
TMEM67-related disorder. Also called: TMEM67-related condition; TMEM67-related disorders. Identifiers: MedGen CN239423.

Submission:

PreventionGenetics, part of Exact Sciences
Classification: Likely benign for TMEM67-related condition. Last evaluated: 2024-07-29. Review status: no assertion criteria provided. Collection method: clinical testing. Allele origin: germline.
Comment: This variant is classified as likely benign based on ACMG/AMP sequence variant interpretation guidelines (Richards et al. 2015 PMID: 25741868, with internal and published modifications).